The following is an entry in ClinVar:

NM_031935.3(HMCN1):c.12793C>A (p.Leu4265Ile)

Gene: HMCN1 (hemicentin 1; plus strand). Cytogenetic location: 1q31.1.
Variant type: single nucleotide variant.
Coding change: c.12793C>A on transcript NM_031935.3 (MANE Select); coding-DNA position 12793, C replaced by A.
Protein change: p.Leu4265Ile; replaces leucine 4265 with isoleucine.
Molecular consequence: missense variant.
Genome position (GRCh38, 1-based): chr1:186,128,180, C>A. VCF-style: chr1-186128180-C-A. GRCh37 (hg19) VCF-style: chr1-186097312-C-A.
Other names: short protein forms L4265I.
Identifiers: ClinVar variation 2800376 (VCV002800376.3), dbSNP rs2528060241, ClinGen allele CA343905708.

ClinVar aggregate classification (germline): Uncertain significance (1 of 4 stars; one submission).

Submission:

Labcorp Genetics (formerly Invitae), Labcorp
Classification: Uncertain significance. Last evaluated: 2023-09-10. Review status: criteria provided, single submitter. Criteria: Invitae Variant Classification Sherloc (09022015). Collection method: clinical testing. Allele origin: germline.
Comment: An algorithm developed to predict the effect of missense changes on protein structure and function (PolyPhen-2) suggests that this variant is likely to be disruptive. In summary, the available evidence is currently insufficient to determine the role of this variant in disease. Therefore, it has been classified as a Variant of Uncertain Significance. This variant has not been reported in the literature in individuals affected with HMCN1-related conditions. This variant is not present in population databases (gnomAD no frequency). This sequence change replaces leucine, which is neutral and non-polar, with isoleucine, which is neutral and non-polar, at codon 4265 of the HMCN1 protein (p.Leu4265Ile).